The following is an entry in ClinVar:

ClinVar aggregate classification (germline): Uncertain significance (1 of 4 stars; one submission).

Conditions:
Vici syndrome (VICIS). Identifiers: Orphanet 1493, MedGen C1855772, MONDO:0009452, OMIM 242840.

Submission:

Labcorp Genetics (formerly Invitae), Labcorp
Classification: Uncertain significance for Vici syndrome. Last evaluated: 2020-06-04. Review status: criteria provided, single submitter. Criteria: Invitae Variant Classification Sherloc (09022015). Collection method: clinical testing. Allele origin: germline.
Comment: In summary, the available evidence is currently insufficient to determine the role of this variant in disease. Therefore, it has been classified as a Variant of Uncertain Significance. Algorithms developed to predict the effect of missense changes on protein structure and function output the following: SIFT: "Tolerated"; PolyPhen-2: "Benign"; Align-GVGD: "Class C0". The serine amino acid residue is found in multiple mammalian species, suggesting that this missense change does not adversely affect protein function. These predictions have not been confirmed by published functional studies and their clinical significance is uncertain. This variant has not been reported in the literature in individuals with EPG5-related conditions. This variant is not present in population databases (ExAC no frequency). This sequence change replaces asparagine with serine at codon 2522 of the EPG5 protein (p.Asn2522Ser). The asparagine residue is weakly conserved and there is a small physicochemical difference between asparagine and serine.

NM_020964.3(EPG5):c.7565A>G (p.Asn2522Ser)

Gene: EPG5 (ectopic P-granules 5 autophagy tethering factor; minus strand). Cytogenetic location: 18q12.3.
Variant type: single nucleotide variant.
Coding change: c.7565A>G on transcript NM_020964.3 (MANE Select); coding-DNA position 7565, A replaced by G.
Protein change: p.Asn2522Ser; replaces asparagine 2522 with serine.
Molecular consequence: missense variant.
Genome position (GRCh38, 1-based): chr18:45,852,642, T>C on the plus strand (A>G on the coding strand, the complement: EPG5 is on the minus strand). VCF-style: chr18-45852642-T-C. GRCh37 (hg19) VCF-style: chr18-43432607-T-C.
Other names: short protein forms N2522S.
Identifiers: ClinVar variation 1008048 (VCV001008048.9), dbSNP rs2048438947, ClinGen allele CA402335487.
Genomic context (GRCh38, chr18:45,852,642, plus strand): 5'-TGCAATATTTGATCCTGGTATTCAACATACTGCTTACTTGATGCCATGGATTCAAGAGCA[T>C]TCAGAGCCTAAAAGACACGGAAGATGAGAGGGTTAACTCCATAGAGGCACATAATGTGAC-3'
Protein context (NP_066015.2, residues 2512-2532): HLTPKAQQAL[Asn2522Ser]ALESMASSKQ